The following is an entry in ClinVar:

NM_000295.5(SERPINA1):c.1052del (p.Leu351fs)

Gene: SERPINA1 (serpin family A member 1; minus strand). Cytogenetic location: 14q32.13.
Variant type: Deletion.
Coding change: c.1052del on transcript NM_000295.5 (MANE Select); coding-DNA position 1052, one base deleted (T; older notation c.1052delT).
Protein change: p.Leu351fs; shifts the reading frame from leucine 351.
Molecular consequence: frameshift variant.
Genome position (GRCh38, 1-based): chr14:94,379,477, A deleted on the plus strand (T on the coding strand, the reverse complement: SERPINA1 is on the minus strand). VCF-style (leftmost placement, unchanged base first): chr14-94379476-CA-C. GRCh37 (hg19) VCF-style: chr14-94845813-CA-C.
Other names: c.1052del, p.Leu351fs (NM_001002235.3, NM_001002236.3, NM_001127700.2 and 7 more transcripts); short protein forms L351fs.
Identifiers: ClinVar variation 1457874 (VCV001457874.8), dbSNP rs72555374, ClinGen allele CA265860962.
Genomic context (GRCh38, chr14:94,379,476, plus strand): 5'-CTTCCCTACAGATACCAGGGTGCAACAAGGTCGTCAGGGTGATCTCACCTTGGAGAGCTT[CA>C]GGGGTGCCTCCTCTGTGACCCCGGAGAGGTCAGCCCCATTGCTGAAGACCTTAGTGATGC-3'

ClinVar aggregate classification (germline): Pathogenic (1 of 4 stars; one submission).

Conditions:
Alpha-1-antitrypsin deficiency (A1ATD). Also called: AAT deficiency; A1AT deficiency; Alpha1-Antitrypsin Deficiency. Identifiers: Orphanet 60, MedGen C0221757, MONDO:0013282, OMIM 613490.

Submission:

Labcorp Genetics (formerly Invitae), Labcorp
Classification: Pathogenic for Alpha-1-antitrypsin deficiency. Last evaluated: 2022-04-15. Review status: criteria provided, single submitter. Criteria: Invitae Variant Classification Sherloc (09022015). Collection method: clinical testing. Allele origin: germline.
Comment: This variant disrupts a region of the SERPINA1 protein in which other variant(s) (p.Glu387Argfs*14) have been determined to be pathogenic (PMID: 9070606, 11334395, 22016686; Invitae). This suggests that this is a clinically significant region of the protein, and that variants that disrupt it are likely to be disease-causing. For these reasons, this variant has been classified as Pathogenic. This variant is also known as Q0pordenone. This premature translational stop signal has been observed in individual(s) with alpha-1 antitrypsin deficiency (PMID: 25425243). This variant is not present in population databases (gnomAD no frequency). This sequence change creates a premature translational stop signal (p.Leu351Argfs*12) in the SERPINA1 gene. While this is not anticipated to result in nonsense mediated decay, it is expected to disrupt the last 68 amino acid(s) of the SERPINA1 protein.

Literature cited by the submitters: PubMed 9070606; PubMed 11334395; PubMed 22016686; PubMed 25425243.